The following is an entry in ClinVar:

ClinVar aggregate classification (germline): Uncertain significance (1 of 4 stars; one submission).

Conditions:
Intellectual developmental disorder, X-linked, syndromic, Turner type. Also called: X-linked intellectual disability, Turner type; Intellectual disability, X-linked syndromic, Turner type. Identifiers: Orphanet 3056, Orphanet 85328, MedGen C2678046, MONDO:0010407, OMIM 309590.

Submission:

Juno Genomics, Hangzhou Juno Genomics, Inc
Classification: Uncertain significance for Intellectual developmental disorder, X-linked, syndromic, Turner type. Review status: criteria provided, single submitter. Criteria: ACMG Guidelines, 2015. Collection method: clinical testing. Allele origin: germline.
Comment: Absent from controls (or at extremely low frequency if recessive) in Genome Aggregation Database.;Multiple lines of computational evidence support a deleterious effect on the gene or gene product.

NM_031407.7(HUWE1):c.4833A>T (p.Gln1611His)

Gene: HUWE1 (HECT, UBA and WWE domain containing E3 ubiquitin protein ligase 1; minus strand). Cytogenetic location: Xp11.22.
Variant type: single nucleotide variant.
Coding change: c.4833A>T on transcript NM_031407.7 (MANE Select); coding-DNA position 4833, A replaced by T.
Protein change: p.Gln1611His; replaces glutamine 1611 with histidine.
Molecular consequence: missense variant.
Genome position (GRCh38, 1-based): chrX:53,585,180, T>A on the plus strand (A>T on the coding strand, the complement: HUWE1 is on the minus strand). VCF-style: chrX-53585180-T-A. GRCh37 (hg19) VCF-style: chrX-53612140-T-A.
Other names: c.4833A>T, p.Gln1611His (NM_001441048.1, NM_001441049.1, NM_001441051.1 and 6 more transcripts); c.4854A>T, p.Gln1618His (NM_001441050.1, NM_001441055.1); short protein forms Q1611H, Q1618H.
Identifiers: ClinVar variation 5007581 (VCV005007581.2).
Genomic context (GRCh38, chrX:53,585,180, plus strand): 5'-ACTGTAACTACACCAACGCCCAGAGCGATCATCAAACCAGCGCCAGTTGTTGCTGTTGGA[T>A]TGCAGGTACTAAACATAAAAGTACAAAGTTTCTTTGTATTTCTTTCAAGGTTGATTAGAA-3'
Protein context (NP_113584.3, residues 1601-1621): KRRAQMTKYL[Gln1611His]SNSNNWRWFD